The following is an entry in ClinVar:

ClinVar aggregate classification (germline): Uncertain significance (1 of 4 stars; one submission).

Conditions:
Epidermolysis bullosa simplex with nail dystrophy (EBS5D). Identifiers: MedGen C4225309, MONDO:0014661, OMIM 616487.
Epidermolysis bullosa simplex, Ogna type (EBS5A). Also called: EPIDERMOLYSIS BULLOSA SIMPLEX 5A, OGNA TYPE; Pidermolysis bullosa simplex 5A, Ogna type. Identifiers: Orphanet 79401, MedGen C0432317, MONDO:0007555, OMIM 131950.
Epidermolysis bullosa simplex 5C, with pyloric atresia (EBS5C). Also called: PLEC1-Related Epidermolysis Bullosa with Pyloric Atresia; PLEC-Related Epidermolysis Bullosa with Pyloric Atresia; Epidermolysis bullosa simplex with pyloric atresia. Identifiers: Orphanet 158684, MedGen C2677349, MONDO:0012807, OMIM 612138.
Autosomal recessive limb-girdle muscular dystrophy type 2Q (LGMDR17). Also called: MUSCULAR DYSTROPHY, LIMB-GIRDLE, AUTOSOMAL RECESSIVE 17. Identifiers: Orphanet 254361, MedGen C3150989, MONDO:0013390, OMIM 613723.
Epidermolysis bullosa simplex 5B, with muscular dystrophy (EBS5B). Also called: EPIDERMOLYSIS BULLOSA SIMPLEX AND LIMB-GIRDLE MUSCULAR DYSTROPHY; Epidermolysis bullosa simplex with muscular dystrophy. Identifiers: Orphanet 257, MedGen C2931072, MONDO:0009181, OMIM 226670.

Submission:

Labcorp Genetics (formerly Invitae), Labcorp
Classification: Uncertain significance for Autosomal recessive limb-girdle muscular dystrophy type 2Q; Epidermolysis bullosa simplex, Ogna type; Epidermolysis bullosa simplex with nail dystrophy; Epidermolysis bullosa simplex 5C, with pyloric atresia; Epidermolysis bullosa simplex 5B, with muscular dystrophy. Last evaluated: 2024-10-25. Review status: criteria provided, single submitter. Criteria: Invitae Variant Classification Sherloc (09022015). Collection method: clinical testing. Allele origin: germline.
Comment: This sequence change falls in intron 11 of the PLEC gene. It does not directly change the encoded amino acid sequence of the PLEC protein. This variant is not present in population databases (gnomAD no frequency). This variant has not been reported in the literature in individuals affected with PLEC-related conditions. Algorithms developed to predict the effect of sequence changes on RNA splicing suggest that this variant may create or strengthen a splice site. In summary, the available evidence is currently insufficient to determine the role of this variant in disease. Therefore, it has been classified as a Variant of Uncertain Significance.

NM_201384.3(PLEC):c.1042-7del

Gene: PLEC (plectin; minus strand). Cytogenetic location: 8q24.3.
Variant type: Deletion.
Coding change: c.1042-7del on transcript NM_201384.3 (MANE Select); 7 bases into the intron before coding-DNA position 1042, one base deleted (T; older notation c.1042-7delT).
Molecular consequence: intron variant.
Genome position (GRCh38, 1-based): chr8:143,934,452, A deleted on the plus strand (T on the coding strand, the reverse complement: PLEC is on the minus strand). VCF-style (leftmost placement, unchanged base first): chr8-143934451-GA-G. GRCh37 (hg19) VCF-style: chr8-145008619-GA-G.
Other names: c.1123-7del (NM_001410941.1, NM_000445.5); c.1000-7del (NM_201378.4); c.976-7del (NM_201379.3); c.1453-7del (NM_201380.4); c.946-7del (NM_201381.3); c.1042-7del (NM_201382.4); c.1054-7del (NM_201383.3).
Identifiers: ClinVar variation 2921538 (VCV002921538.3), dbSNP rs2538982960, ClinGen allele CA2740095383.
Genomic context (GRCh38, chr8:143,934,451, plus strand): 5'-CATCCAGCGGGTGGTAGCCAGGGGGCACCTTGAGCTGGCCTGCTTGCACCGCTCCCTGTA[GA>G]CAGGGGCCACACTCAGGCCCTATAGGCAGGGGGCAGGGGGTGGGGCGCTGGGCCTTCAGA-3'